The following is an entry in ClinVar:

NM_000548.5(TSC2):c.3131G>C (p.Arg1044Thr)

Gene: TSC2 (TSC complex subunit 2; plus strand). Cytogenetic location: 16p13.3.
Variant type: single nucleotide variant.
Coding change: c.3131G>C on transcript NM_000548.5 (MANE Select); coding-DNA position 3131, G replaced by C.
Protein change: p.Arg1044Thr; replaces arginine 1044 with threonine.
Molecular consequence: missense variant.
Genome position (GRCh38, 1-based): chr16:2,079,196, G>C. VCF-style: chr16-2079196-G-C. GRCh37 (hg19) VCF-style: chr16-2129197-G-C.
Other names: c.3002G>C, p.Arg1001Thr (NM_021055.3, NM_001363528.2, NM_001370405.1); c.2999G>C, p.Arg1000Thr (NM_001370404.1, NM_001077183.3); c.3131G>C, p.Arg1044Thr (NM_001114382.3); c.2891G>C, p.Arg964Thr (NM_001318827.2); c.2855G>C, p.Arg952Thr (NM_001318829.2); c.2399G>C, p.Arg800Thr (NM_001318831.2); c.3032G>C, p.Arg1011Thr (NM_001318832.2); short protein forms R1000T, R1001T, R964T, R1011T, R1044T, R952T, R800T.
Identifiers: ClinVar variation 1458097 (VCV001458097.8), dbSNP rs397515302, ClinGen allele CA394285020.

ClinVar aggregate classification (germline): Pathogenic (1 of 4 stars; one submission).

Conditions:
Tuberous sclerosis 2 (TSC2). Identifiers: Orphanet 805, MedGen C1860707, MONDO:0013199, OMIM 613254.

Submission:

Labcorp Genetics (formerly Invitae), Labcorp
Classification: Pathogenic for Tuberous sclerosis 2. Last evaluated: 2024-12-12. Review status: criteria provided, single submitter. Criteria: Invitae Variant Classification Sherloc (09022015). Collection method: clinical testing. Allele origin: germline.
Comment: This sequence change replaces arginine, which is basic and polar, with threonine, which is neutral and polar, at codon 1044 of the TSC2 protein (p.Arg1044Thr). This variant also falls at the last nucleotide of exon 27, which is part of the consensus splice site for this exon. This variant is not present in population databases (gnomAD no frequency). This missense change has been observed in individual(s) with tuberous sclerosis complex (PMID: 27185581). In at least one individual the variant was observed to be de novo. ClinVar contains an entry for this variant (Variation ID: 1458097). An algorithm developed to predict the effect of missense changes on protein structure and function (PolyPhen-2) suggests that this variant is likely to be disruptive. Variants that disrupt the consensus splice site are a relatively common cause of aberrant splicing (PMID: 17576681, 9536098). Algorithms developed to predict the effect of sequence changes on RNA splicing suggest that this variant may disrupt the consensus splice site. This variant disrupts the p.Arg1044 amino acid residue in TSC2. Other variant(s) that disrupt this residue have been determined to be pathogenic (internal data). This suggests that this residue is clinically significant, and that variants that disrupt this residue are likely to be disease-causing. For these reasons, this variant has been classified as Pathogenic.

Literature cited by the submitters: PubMed 27185581; PubMed 17576681; PubMed 9536098.